The following is an entry in ClinVar:

ClinVar aggregate classification (germline): Uncertain significance (1 of 4 stars; one submission).

Submission:

GeneDx
Classification: Uncertain significance. Last evaluated: 2020-01-15. Review status: criteria provided, single submitter. Criteria: GeneDx Variant Classification Process June 2021. Collection method: clinical testing. Allele origin: germline. Affected: yes.
Comment: Has not been previously published as pathogenic or benign to our knowledge; Not observed in large population cohorts (Lek et al., 2016); In silico analysis, which includes protein predictors and evolutionary conservation, supports a deleterious effect; In addition, in silico splice predictors suggest this variant may lead to abnormal gene splicing. In the absence of RNA/functional studies, the actual effect of this sequence change is unknown

NM_001371727.1(GABRB2):c.169G>A (p.Gly57Ser)

Gene: GABRB2 (gamma-aminobutyric acid type A receptor subunit beta2; minus strand). Cytogenetic location: 5q34.
Variant type: single nucleotide variant.
Coding change: c.169G>A on transcript NM_001371727.1 (MANE Select); coding-DNA position 169, G replaced by A.
Protein change: p.Gly57Ser; replaces glycine 57 with serine.
Molecular consequence: missense variant.
Genome position (GRCh38, 1-based): chr5:161,546,322, C>T on the plus strand (G>A on the coding strand, the complement: GABRB2 is on the minus strand). VCF-style: chr5-161546322-C-T. GRCh37 (hg19) VCF-style: chr5-160973328-C-T.
Other names: c.169G>A, p.Gly57Ser (NM_000813.3, NM_021911.3); short protein forms G57S.
Identifiers: ClinVar variation 1303737 (VCV001303737.2), dbSNP rs2113490082, ClinGen allele CA362172525.